The following is an entry in ClinVar:

ClinVar aggregate classification (germline): Uncertain significance (0 of 4 stars; one submission).
ClinVar aggregate classification (somatic clinical impact): Tier I - Strong (1 of 4 stars; one submission).

Conditions:
Diffuse midline glioma, H3 K27M-mutant. Identifiers: MedGen C4289688, MONDO:0957196.

Submissions (2):

Institute for Genomic Medicine (IGM) Clinical Laboratory, Nationwide Children's Hospital
Classification: Tier I - Strong for Diffuse midline glioma, H3 K27M-mutant. Assertion type: diagnostic. Clinical significance: supports diagnosis. Last evaluated: 2023-03-18. Review status: criteria provided, single submitter. Criteria: AMP/ASCO/CAP Guidelines, 2017. Collection method: clinical testing. Allele origin: somatic. Affected: yes.
Comment: Variant has Tier I (strong) clinical significance as a diagnostic inclusion criterion in diffuse midline glioma, H3 K27M-mutant, based on the following evidence: 1) Appears in one or more well-established professional guidelines (e.g., World Health Organization [WHO]; National Comprehensive Cancer Network [NCCN]) as providing diagnostic, prognostic, or therapeutic information. 2) Diagnostic for a specific tumor type/classification based on well-powered studies with expert-level consensus (Evidence Level B; PMIDs: 24705251, 25230881, 27582545, 28966033, 29763623).

Department of Pathology and Laboratory Medicine, Sinai Health System
Classification: Uncertain significance. Review status: no assertion criteria provided. Collection method: clinical testing. Allele origin: unknown. Affected: yes. Observed: 1 variant allele. Study: The Canadian Open Genetics Repository (COGR).

Literature cited by the submitters: PubMed 24705251 (cited by Institute for Genomic Medicine (IGM) Clinical Laboratory, Nationwide Children's Hospital); PubMed 25230881 (cited by Institute for Genomic Medicine (IGM) Clinical Laboratory, Nationwide Children's Hospital); PubMed 27582545 (cited by Institute for Genomic Medicine (IGM) Clinical Laboratory, Nationwide Children's Hospital); PubMed 28966033 (cited by Institute for Genomic Medicine (IGM) Clinical Laboratory, Nationwide Children's Hospital); PubMed 29763623 (cited by Institute for Genomic Medicine (IGM) Clinical Laboratory, Nationwide Children's Hospital).

NM_006206.6(PDGFRA):c.1666_1671del (p.Glu556_Ile557del)

Gene: PDGFRA (platelet derived growth factor receptor alpha; plus strand). Cytogenetic location: 4q12.
Variant type: Deletion.
Coding change: c.1666_1671del on transcript NM_006206.6 (MANE Select); coding-DNA positions 1666 to 1671, 6 bases deleted (GAAATT; older notation c.1666_1671delGAAATT).
Protein change: p.Glu556_Ile557del.
Molecular consequence: inframe deletion.
Genome position (GRCh38, 1-based): chr4:54,274,853-54,274,858, GAAATT deleted; deleting any 6 consecutive bases within chr4:54,274,852-54,274,858 gives the same sequence; the c. name uses the placement nearest the transcript's 3' end. VCF-style (leftmost placement, unchanged base first): chr4-54274851-ATGAAAT-A. GRCh37 (hg19) VCF-style: chr4-55141018-ATGAAAT-A.
Other names: c.1666_1671del, p.Glu556_Ile557del (NM_001347827.2, NM_001347829.2); c.1741_1746del, p.Glu581_Ile582del (NM_001347828.2); c.1705_1710del, p.Glu569_Ile570del (NM_001347830.2).
Identifiers: ClinVar variation 1050226 (VCV001050226.2), dbSNP rs2110299278, ClinGen allele CA2499217251.
Genomic context (GRCh38, chr4:54,274,851, plus strand): 5'-TGCACTGGGACTTTGGTAATTCACCAGTTACCTGTCCTGGTCATTTATAGAAACCGAGGT[ATGAAAT>A]TCGCTGGAGGGTCATTGAATCAATCAGCCCAGATGGACATGAATATATTTATGTGGACCC-3'